The following is an entry in ClinVar:

NM_000053.4(ATP7B):c.1947-2A>G

Gene: ATP7B (ATPase copper transporting beta; minus strand). Cytogenetic location: 13q14.3.
Variant type: single nucleotide variant.
Coding change: c.1947-2A>G on transcript NM_000053.4 (MANE Select); the canonical splice acceptor site of the intron before coding-DNA position 1947, A replaced by G.
Molecular consequence: splice acceptor variant. On other transcripts: intron variant (13).
Genome position (GRCh38, 1-based): chr13:51,960,324, T>C on the plus strand (A>G on the coding strand, the complement: ATP7B is on the minus strand). VCF-style: chr13-51960324-T-C. GRCh37 (hg19) VCF-style: chr13-52534460-T-C.
Other names: c.1870-2717A>G (NM_001406541.1, NM_001005918.3, NM_001406546.1 and 1 more transcripts); c.1870-1780A>G (NM_001406531.1, NM_001406532.1, NM_001406540.1 and 1 more transcripts); c.1947-2A>G (NM_001406527.1, NM_001406537.1, NM_001406521.1 and 16 more transcripts); c.1774-1780A>G (NM_001406543.1); c.1614-2A>G (NM_001243182.2); c.1286-10163A>G (NM_001406548.1); c.1914-2A>G (NM_001406524.1, NM_001406514.1); c.1708-2717A>G (NM_001406547.1, NM_001406545.1); and 3 more.
Identifiers: ClinVar variation 2498583 (VCV002498583.28), dbSNP rs2547725887, ClinGen allele CA388026230.
Genomic context (GRCh38, chr13:51,960,324, plus strand): 5'-TCATTAAGGCCATGACAGGGATGCCAAACACCAGGCTGCACAGGAAAGACTTCTTCCACC[T>C]GGAAAGCAAATGCAGCAACACAGATATATCAGATGCTGCTTGTCACCTGGATTACAAGCC-3'

ClinVar aggregate classification (germline): Pathogenic (1 of 4 stars; one submission).

Submission:

CeGaT Center for Human Genetics Tuebingen
Classification: Pathogenic. Last evaluated: 2023-03-01. Review status: criteria provided, single submitter. Criteria: CeGaT Center For Human Genetics Tuebingen Variant Classification Criteria Version 2. Collection method: clinical testing. Allele origin: germline. Affected: yes. Observed: 1 variant allele.
Comment: ATP7B: PVS1, PM2